The following is an entry in ClinVar:

NM_000553.6(WRN):c.547C>T (p.His183Tyr)

Gene: WRN (WRN RecQ like helicase; plus strand). Cytogenetic location: 8p12.
Variant type: single nucleotide variant.
Coding change: c.547C>T on transcript NM_000553.6 (MANE Select); coding-DNA position 547, C replaced by T.
Protein change: p.His183Tyr; replaces histidine 183 with tyrosine.
Molecular consequence: missense variant.
Genome position (GRCh38, 1-based): chr8:31,067,075, C>T. VCF-style: chr8-31067075-C-T. GRCh37 (hg19) VCF-style: chr8-30924591-C-T.
Other names: short protein forms H183Y.
Identifiers: ClinVar variation 578604 (VCV000578604.6), dbSNP rs1167429690, ClinGen allele CA370915996.

ClinVar aggregate classification (germline): Uncertain significance. Review status: criteria provided, multiple submitters, no conflicts (2 of 4 stars). 2 submissions from 2 submitters: Uncertain significance (2). Last evaluated 2025-09-01.

Conditions:
Inborn genetic diseases. Identifiers: MedGen C0950123, MeSH D030342.
Werner syndrome (WRN). Identifiers: Orphanet 902, MedGen C0043119, MONDO:0010196, OMIM 277700.

Allele frequency attached by ClinVar (database versions not stated): gnomAD exomes below 0.00001; TOPMed below 0.00001; gnomAD 0.00001.
gnomAD v4.1: 5 of 1,613,846 alleles (0.00031%); highest among the groups gnomAD compares: Non-Finnish European, 0.00042%; no homozygotes.

Submissions (2):

Ambry Genetics
Classification: Uncertain significance for Inborn genetic diseases. Last evaluated: 2025-09-01. Review status: criteria provided, single submitter. Criteria: Ambry Variant Classification Scheme 2023. Collection method: clinical testing. Allele origin: germline.

Labcorp Genetics (formerly Invitae), Labcorp
Classification: Uncertain significance for Werner syndrome. Last evaluated: 2022-09-21. Review status: criteria provided, single submitter. Criteria: Invitae Variant Classification Sherloc (09022015). Collection method: clinical testing. Allele origin: germline.
Comment: This variant has not been reported in the literature in individuals affected with WRN-related conditions. ClinVar contains an entry for this variant (Variation ID: 578604). Algorithms developed to predict the effect of missense changes on protein structure and function output the following: SIFT: "Not Available"; PolyPhen-2: "Benign"; Align-GVGD: "Not Available". The tyrosine amino acid residue is found in multiple mammalian species, which suggests that this missense change does not adversely affect protein function. Algorithms developed to predict the effect of sequence changes on RNA splicing suggest that this variant may create or strengthen a splice site. In summary, the available evidence is currently insufficient to determine the role of this variant in disease. Therefore, it has been classified as a Variant of Uncertain Significance. This sequence change replaces histidine, which is basic and polar, with tyrosine, which is neutral and polar, at codon 183 of the WRN protein (p.His183Tyr). This variant is not present in population databases (gnomAD no frequency).